The following is an entry in ClinVar:

ClinVar aggregate classification (germline): Likely pathogenic (1 of 4 stars; one submission).

Conditions:
Galactosemia. Also called: Galactose intolerance. Identifiers: Orphanet 352, MedGen C0016952, MONDO:0018116, HP:0004919. Disease mechanism: loss of function.

Submission:

Natera, Inc.
Classification: Likely pathogenic for Galactosemia. Last evaluated: 2025-03-06. Review status: criteria provided, single submitter. Criteria: Natera Variant Classification Schema (03/2026). Collection method: clinical testing. Allele origin: germline.
Comment: The c.83-1G>C variant in GALT is a canonical splice acceptor site variant predicted to affect pre-mRNA splicing, which may result in an abnormal transcript and altered protein product. This variant is expected to result in nonsense mediated decay, truncation, or a dysfunctional protein product. This variant is rare in the general population with a frequency below the threshold expected for the associated phenotype(s). Given the available evidence, this variant is classified as Likely Pathogenic.

NM_000155.4(GALT):c.83-1G>C

Gene: GALT (galactose-1-phosphate uridylyltransferase; plus strand). Cytogenetic location: 9p13.3.
Variant type: single nucleotide variant.
Coding change: c.83-1G>C on transcript NM_000155.4 (MANE Select); the canonical splice acceptor site of the intron before coding-DNA position 83, G replaced by C.
Molecular consequence: splice acceptor variant.
Genome position (GRCh38, 1-based): chr9:34,647,088, G>C. VCF-style: chr9-34647088-G-C. GRCh37 (hg19) VCF-style: chr9-34647085-G-C.
Other names: c.-120-1G>C (NM_001258332.2).
Identifiers: ClinVar variation 4068298 (VCV004068298.2).